The following is an entry in ClinVar:

ClinVar aggregate classification (germline): Likely benign. Review status: criteria provided, multiple submitters, no conflicts (2 of 4 stars). 3 submissions from 3 submitters: Likely benign (3). Last evaluated 2024-07-29.

Conditions:
Cardiomyopathy (CMYO). Also called: Cardiomyopathies. Identifiers: Orphanet 167848, MedGen C0878544, MONDO:0004994, HP:0001638. Inheritance: Various modes of inheritance.
Arrhythmogenic right ventricular dysplasia 11. Also called: Arrhythmogenic Right Ventricular Dysplasia/Cardiomyopathy11; ARRHYTHMOGENIC RIGHT VENTRICULAR DYSPLASIA, FAMILIAL, 11; Arrhythmogenic right ventricular dysplasia 11 with mild palmoplantar keratoderma and woolly hair. Identifiers: MedGen C1864850, MONDO:0012506, OMIM 610476.
Familial isolated arrhythmogenic right ventricular dysplasia. Identifiers: Orphanet 217656, MedGen C4274968, MONDO:0016342.

Submissions (3):

All of Us Research Program, National Institutes of Health
Classification: Likely benign for Familial isolated arrhythmogenic right ventricular dysplasia. Last evaluated: 2024-07-29. Review status: criteria provided, single submitter. Criteria: ACMG Guidelines, 2015. Collection method: clinical testing. Allele origin: germline. Inheritance: Autosomal dominant inheritance. Observed: 2 variant alleles, 2 heterozygotes.
Comment: This study involves interpretation of variants in research participants for the purpose of population health screening. Participant phenotype was not available at the time of variant classification. Additional details can be found in publication PMID: 35346344, PMCID: PMC8962531

Labcorp Genetics (formerly Invitae), Labcorp
Classification: Likely benign for Arrhythmogenic right ventricular dysplasia 11. Last evaluated: 2020-08-24. Review status: criteria provided, single submitter. Criteria: Invitae Variant Classification Sherloc (09022015). Collection method: clinical testing. Allele origin: germline.

Color Diagnostics, LLC DBA Color Health
Classification: Likely benign for Cardiomyopathy. Last evaluated: 2020-02-04. Review status: criteria provided, single submitter. Criteria: ACMG Guidelines, 2015. Collection method: clinical testing. Allele origin: germline.

NM_024422.6(DSC2):c.342G>A (p.Glu114=)

Gene: DSC2 (desmocollin 2; minus strand). Cytogenetic location: 18q12.1.
Variant type: single nucleotide variant.
Coding change: c.342G>A on transcript NM_024422.6 (MANE Select); coding-DNA position 342, G replaced by A.
Protein change: p.Glu114=; no amino-acid change (glutamic acid 114 retained).
Molecular consequence: synonymous variant.
Genome position (GRCh38, 1-based): chr18:31,092,113, C>T on the plus strand (G>A on the coding strand, the complement: DSC2 is on the minus strand). VCF-style: chr18-31092113-C-T. GRCh37 (hg19) VCF-style: chr18-28672076-C-T.
Other names: c.342G>A, p.Glu114= (NM_004949.5).
Identifiers: ClinVar variation 739590 (VCV000739590.11), dbSNP rs1598591230, ClinGen allele CA503390951.